The following is an entry in ClinVar:

NM_001009944.3(PKD1):c.9562A>G (p.Asn3188Asp)

Gene: PKD1 (polycystin 1, transient receptor potential channel interacting; minus strand). Cytogenetic location: 16p13.3.
Variant type: single nucleotide variant.
Coding change: c.9562A>G on transcript NM_001009944.3 (MANE Select); coding-DNA position 9562, A replaced by G.
Protein change: p.Asn3188Asp; replaces asparagine 3188 with aspartic acid.
Molecular consequence: missense variant.
Genome position (GRCh38, 1-based): chr16:2,100,402, T>C on the plus strand (A>G on the coding strand, the complement: PKD1 is on the minus strand). VCF-style: chr16-2100402-T-C. GRCh37 (hg19) VCF-style: chr16-2150403-T-C.
Other names: c.9562A>G, p.Asn3188Asp (NM_000296.4); short protein forms N3188D.
Identifiers: ClinVar variation 993742 (VCV000993742.18), dbSNP rs1384099162, ClinGen allele CA394355790.

ClinVar aggregate classification (germline): Pathogenic/Likely pathogenic. Review status: criteria provided, multiple submitters, no conflicts (2 of 4 stars). 8 submissions from 8 submitters: Pathogenic (2); Likely pathogenic (5). 1 of the submissions does not count toward it. Last evaluated 2026-09-15.

Conditions:
PKD1-related disorder. Also called: PKD1-related condition.
Polycystic kidney disease, adult type (PKD1). Also called: Polycystic Kidney Disease 1, Autosomal Dominant; Polycystic kidney disease 1; Polycystic kidney disease 1, severe; Polycystic Kidney, Autosomal Dominant; POLYCYSTIC KIDNEY DISEASE, ADULT, TYPE I; POLYCYSTIC KIDNEY DISEASE 1 WITH OR WITHOUT POLYCYSTIC LIVER DISEASE. Identifiers: MedGen C3149841, MONDO:0008263, OMIM 173900.

Allele frequency attached by ClinVar (database versions not stated): gnomAD 0.00001.
gnomAD v4.1: 1 of 1,611,176 alleles (0.000062%); highest among the groups gnomAD compares: Non-Finnish European, 0.000085%; no homozygotes.

Submissions (8):

GeneDx
Classification: Likely pathogenic. Last evaluated: 2026-09-15. Review status: criteria provided, single submitter. Criteria: GeneDx Variant Classification Process June 2021. Collection method: clinical testing. Allele origin: germline.
Comment: Not observed at significant frequency in large population cohorts (gnomAD); In silico analysis supports that this missense variant has a deleterious effect on protein structure/function; This variant is associated with the following publications: (PMID: 26139440, 37372416, 36938073, 38674417)

Medgenome Labs Ltd
Classification: Likely pathogenic for Polycystic kidney disease, adult type. Last evaluated: 2026-07-07. Review status: criteria provided, single submitter. Criteria: ACMG Guidelines, 2015. Collection method: clinical testing. Allele origin: germline. Affected: yes.

Victorian Clinical Genetics Services, Murdoch Childrens Research Institute
Classification: Pathogenic for Polycystic kidney disease, adult type. Last evaluated: 2026-03-26. Review status: criteria provided, single submitter. Criteria: ACMG Guidelines, 2015. Collection method: clinical testing. Allele origin: germline. Affected: yes.
Comment: This variant is classified as Pathogenic. Evidence in support of pathogenic classification: Variant is present in gnomAD <0.001 for a dominant condition (v4: 1 heterozygote(s), 0 homozygote(s)); This variant has strong previous evidence of pathogenicity in unrelated individuals. This variant has been classified as likely pathogenic by multiple clinical laboratories in ClinVar. In addition, it has been reported in individuals with ADPKD (PMID: 38674417), and one individual with ARPKD with an early-onset and severe presentation (PMID: 26139440); Other missense variants comparable to the one identified in this case have moderate previous evidence for pathogenicity. The p.(Asn3188Tyr) variant has been classified as likely pathogenic by a clinical laboratory in ClinVar. The p.(Asn3188Ile) variant has been classified as likely pathogenic by the PKD database and observed in a heterozygous state in an individual with ADPKD, inherited from their affected mother (PMID: 26139440). The p.(Asn3188Lys) and p.(Asn3188Thr) variants have both been classified as VUS by clinical laboratories in ClinVar and reported in the literature in individuals with ADPKD (PMIDs: 26632257, 26453610). Lastly, the p.(Asn3188Ser) variant has been associated with biallelic inheritance (PMIDs: 19165178, 33168999); Missense variant predicted to be damaging by in silico tool(s) or highly conserved with a major amino acid change. Additional information: Variant is predicted to result in a missense amino acid change from Asn to Asp; This variant is heterozygous; This gene is associated with autosomal dominant disease. Polycystic kidney disease 1 (MIM#173900) is predominantly caused by monoallelic variants, with rare reports of biallelic variants causing disease (OMIM); Segregation evidence for this variant is inconclusive. This variant has been observed in an individual with ADPKD who inherited the variant from their affected father; however, this is insufficient for pathogenic evidence (PMID: 26139440); No published functional evidence has been identified for this variant; Variant is located in the annotated PLAT/LH2 domain (DECIPHER); Loss of function is a known mechanism of disease in this gene and is associated with polycystic kidney disease 1 (MIM#173900); Inheritance information for this variant is not currently available in this individual.

3billion
Classification: Likely pathogenic for Polycystic kidney disease, adult type. Last evaluated: 2025-06-18. Review status: criteria provided, single submitter. Criteria: ACMG Guidelines, 2015. Collection method: clinical testing. Allele origin: germline. Affected: yes.
Comment: The variant is observed at an extremely low frequency in the gnomAD v4.1.0 dataset (total allele frequency: <0.001%). Predicted Consequence/Location: Missense variant In silico tool predictions suggest damaging effect of the variant on gene or gene product [REVEL: 0.79 (>=0.6, sensitivity 0.68 and specificity 0.92); 3Cnet: 0.92 (> 0.75, sensitivity 0.96 and precision 0.92)]. The same nucleotide change resulting in the same amino acid change has been previously reported as pathogenic/likely pathogenic with strong evidence (ClinVar ID: VCV000993742 /PMID: 26139440). Different missense changes at the same codon (p.Asn3188Ile, p.Asn3188Ser, p.Asn3188Thr, p.Asn3188Tyr) have been reported to be associated with PKD1-related disorder (ClinVar ID: VCV000562261, VCV003579091 /PMID: 19165178, 26139440, 26453610). Therefore, this variant is classified as Likely pathogenic according to the recommendation of ACMG/AMP guideline.

Blueprint Genetics
Classification: Pathogenic for PKD1-related disorders. Last evaluated: 2024-11-07. Review status: criteria provided, single submitter. Criteria: ACMG Guidelines, 2015. Collection method: clinical testing. Allele origin: germline. Affected: yes. Observed: 5 variant alleles.

Fulgent Genetics
Classification: Likely pathogenic for Polycystic kidney disease, adult type. Last evaluated: 2024-06-10. Review status: criteria provided, single submitter. Criteria: ACMG Guidelines, 2015. Collection method: clinical testing. Allele origin: germline.

ARUP Laboratories, Molecular Genetics and Genomics, ARUP Laboratories
Classification: Likely pathogenic for Polycystic kidney disease, adult type. Last evaluated: 2019-08-15. Review status: criteria provided, single submitter. Criteria: ARUP Molecular Germline Variant Investigation Process. Collection method: clinical testing. Allele origin: germline.
Comment: The PKD1 c.9562A>G; p.Asn3188Asp variant (rs1384099162) is reported in the literature in a proband and parent both affected with autosomal dominant polycystic kidney disease (ADPKD) (Audrezet 2016). This variant is found on a single chromosome in the Genome Aggregation Database (1/31390), indicating it is not a common polymorphism. The asparagine at codon 3188 is highly conserved, and computational analyses (SIFT, PolyPhen-2) predict that this variant is deleterious. Additionally, other amino acid substitutions at this codon (Ile, Lys, Thr) have been reported in to segregate with ADPKD in several affected families (Audrezet 2016, Hwang 2016, Liu 2015), while an additional missense variant at this codon (p.Asn3188Ser) was reported in the homozygous state in several moderate-to-severely affected individuals in another family (Rossetti 2009). Based on available information, the p.Asn3188Asp variant is considered to be likely pathogenic. References: Audrezet MP et al. Comprehensive PKD1 and PKD2 Mutation Analysis in Prenatal Autosomal Dominant Polycystic Kidney Disease. J Am Soc Nephrol. 2016 Mar;27(3):722-9. Hwang YH et al. Refining Genotype-Phenotype Correlation in Autosomal Dominant Polycystic Kidney Disease. J Am Soc Nephrol. 2016 Jun;27(6):1861-8. Liu B et al. Identification of novel PKD1 and PKD2 mutations in a Chinese population with autosomal dominant polycystic kidney disease. Sci Rep. 2015 Dec 3;5:17468. Rossetti S et al. Incompletely penetrant PKD1 alleles suggest a role for gene dosage in cyst initiation in polycystic kidney disease. Kidney Int. 2009 Apr;75(8):848-55.

PreventionGenetics, part of Exact Sciences
Classification: Likely pathogenic for PKD1-related condition. Last evaluated: 2023-12-08. Review status: no assertion criteria provided. Collection method: clinical testing. Allele origin: germline. Not counted in ClinVar's aggregate classification.
Comment: The PKD1 c.9562A>G variant is predicted to result in the amino acid substitution p.Asn3188Asp. This variant was reported in an individual with autosomal dominant polycystic kidney disease (ADPKD) (Audrézet et al. 2016. PubMed ID: 26139440, Supplementary Table 1). This variant is reported in 0.0065% of alleles in individuals of European (Non-Finnish) descent in gnomAD. Of note, different substitutions at the same codon have been widely reported in individuals with ADPKD (p.Asn3188Thr in Hwang et al. 2016. PubMed ID: 26453610, Supplementary table S6; p.Asn3188Ser in Rossetti et al. 2009. PubMed ID: 19165178; p.Asn3188Ile in Audrézet et al. 2016. PubMed ID: 26139440, Supplementary Table 1 and Groopman et al. 2019. PubMed ID: 30586318, Table S7; p.Asn3188Lys in Liu et al. 2015. PubMed ID: 26632257). This variant is interpreted as likely pathogenic.

Literature cited by the submitters: PubMed 19165178 (cited by Victorian Clinical Genetics Services, Murdoch Childrens Research Institute and 3billion); PubMed 38674417 (cited by Victorian Clinical Genetics Services, Murdoch Childrens Research Institute); PubMed 33168999 (cited by Victorian Clinical Genetics Services, Murdoch Childrens Research Institute); PubMed 26453610 (cited by Victorian Clinical Genetics Services, Murdoch Childrens Research Institute); PubMed 26632257 (cited by Victorian Clinical Genetics Services, Murdoch Childrens Research Institute); PubMed 26139440 (cited by Victorian Clinical Genetics Services, Murdoch Childrens Research Institute and 3billion).